The following is an entry in ClinVar:

ClinVar aggregate classification (germline): Uncertain significance (1 of 4 stars; one submission).

Submission:

Labcorp Genetics (formerly Invitae), Labcorp
Classification: Uncertain significance. Last evaluated: 2025-04-16. Review status: criteria provided, single submitter. Criteria: Invitae Variant Classification Sherloc (09022015). Collection method: clinical testing. Allele origin: germline.
Comment: This sequence change replaces threonine, which is neutral and polar, with arginine, which is basic and polar, at codon 441 of the EYS protein (p.Thr441Arg). This variant is present in population databases (rs747237723, gnomAD 0.003%). This variant has not been reported in the literature in individuals affected with EYS-related conditions. ClinVar contains an entry for this variant (Variation ID: 1495634). Invitae Evidence Modeling of protein sequence and biophysical properties (such as structural, functional, and spatial information, amino acid conservation, physicochemical variation, residue mobility, and thermodynamic stability) indicates that this missense variant is not expected to disrupt EYS protein function with a negative predictive value of 80%. In summary, the available evidence is currently insufficient to determine the role of this variant in disease. Therefore, it has been classified as a Variant of Uncertain Significance.

NM_001142800.2(EYS):c.1322C>G (p.Thr441Arg)

Gene: EYS (EGF-like photoreceptor maintenance factor; minus strand). Cytogenetic location: 6q12.
Variant type: single nucleotide variant.
Coding change: c.1322C>G on transcript NM_001142800.2 (MANE Select); coding-DNA position 1322, C replaced by G.
Protein change: p.Thr441Arg; replaces threonine 441 with arginine.
Molecular consequence: missense variant.
Genome position (GRCh38, 1-based): chr6:65,353,595, G>C on the plus strand (C>G on the coding strand, the complement: EYS is on the minus strand). VCF-style: chr6-65353595-G-C. GRCh37 (hg19) VCF-style: chr6-66063488-G-C.
Other names: c.1322C>G, p.Thr441Arg (NM_001142801.2, NM_001292009.2, NM_198283.2); short protein forms T441R.
Identifiers: ClinVar variation 1495634 (VCV001495634.6), dbSNP rs747237723, ClinGen allele CA3877781.